The following is an entry in ClinVar:

ClinVar aggregate classification (germline): Pathogenic (1 of 4 stars; one submission).

Allele frequency attached by ClinVar (database versions not stated): gnomAD exomes below 0.00001; ExAC 0.00001.
gnomAD v4.1: 3 of 1,614,038 alleles (0.00019%); highest among the groups gnomAD compares: Non-Finnish European, 0.00017%; no homozygotes.

Submission:

Labcorp Genetics (formerly Invitae), Labcorp
Classification: Pathogenic. Last evaluated: 2022-03-09. Review status: criteria provided, single submitter. Criteria: Invitae Variant Classification Sherloc (09022015). Collection method: clinical testing. Allele origin: germline.
Comment: For these reasons, this variant has been classified as Pathogenic. This variant has not been reported in the literature in individuals affected with GFM1-related conditions. This variant is present in population databases (rs771055207, gnomAD 0.0009%). This sequence change creates a premature translational stop signal (p.Trp111*) in the GFM1 gene. It is expected to result in an absent or disrupted protein product. Loss-of-function variants in GFM1 are known to be pathogenic (PMID: 16632485, 17160893).

Literature cited by the submitters: PubMed 16632485; PubMed 17160893.

NM_024996.7(GFM1):c.332G>A (p.Trp111Ter)

Gene: GFM1 (G elongation factor mitochondrial 1; plus strand). Cytogenetic location: 3q25.32.
Variant type: single nucleotide variant.
Coding change: c.332G>A on transcript NM_024996.7 (MANE Select); coding-DNA position 332, G replaced by A.
Protein change: p.Trp111Ter; replaces tryptophan 111 with a stop codon.
Molecular consequence: nonsense. On other transcripts: non-coding transcript variant (3), intron variant (4).
Genome position (GRCh38, 1-based): chr3:158,646,262, G>A. VCF-style: chr3-158646262-G-A. GRCh37 (hg19) VCF-style: chr3-158364051-G-A.
Other names: c.332G>A, p.Trp111Ter (NM_001308164.2, NM_001308166.2, NM_001374355.1 and 1 more transcripts); c.107G>A, p.Trp36Ter (NM_001374357.1); c.5+481G>A (NM_001374359.1, NM_001374360.1, NM_001374361.1); c.234+481G>A (NM_001374358.1); short protein forms W36*, W111*.
Identifiers: ClinVar variation 2107858 (VCV002107858.4), dbSNP rs771055207, ClinGen allele CA2682298.